The following is an entry in ClinVar:

ClinVar aggregate classification (germline): Conflicting classifications of pathogenicity. Review status: criteria provided, conflicting classifications (1 of 4 stars). 2 submissions from 2 submitters: Uncertain significance (1); Likely benign (1). Last evaluated 2024-01-23.

Conditions:
Idiopathic generalized epilepsy. Also called: EIG; Generalised epilepsy. Identifiers: MedGen C0270850, MONDO:0005579, OMIM 600669.
Hyperaldosteronism, familial, type IV (HALD4). Also called: FH IV; ALDOSTERONISM, PRIMARY, AND HYPERTENSION. Identifiers: Orphanet 642671, MedGen C4310756, MONDO:0014875, OMIM 617027.

Allele frequency attached by ClinVar (database versions not stated): TOPMed 0.00001; gnomAD exomes 0.00003.

Submissions (2):

Women's Health and Genetics/Laboratory Corporation of America, LabCorp
Classification: Uncertain significance. Last evaluated: 2024-01-23. Review status: criteria provided, single submitter. Criteria: LabCorp Variant Classification Summary - May 2015. Collection method: clinical testing. Allele origin: germline.
Comment: Variant summary: CACNA1H c.3466C>T (p.Arg1156Cys) results in a non-conservative amino acid change in the encoded protein sequence. Five of five in-silico tools predict a damaging effect of the variant on protein function. The variant allele was found at a frequency of 1.4e-05 in 146118 control chromosomes (gnomAD). The available data on variant occurrences in the general population are insufficient to allow any conclusion about variant significance. To our knowledge, no occurrence of c.3466C>T in individuals affected with Idiopathic Generalized Epilepsy and no experimental evidence demonstrating its impact on protein function have been reported. No submitters have cited clinical-significance assessments for this variant to ClinVar. Based on the evidence outlined above, the variant was classified as uncertain significance.

Labcorp Genetics (formerly Invitae), Labcorp
Classification: Likely benign for Idiopathic generalized epilepsy; Hyperaldosteronism, familial, type IV. Last evaluated: 2023-05-11. Review status: criteria provided, single submitter. Criteria: Invitae Variant Classification Sherloc (09022015). Collection method: clinical testing. Allele origin: germline.

NM_021098.3(CACNA1H):c.3466C>T (p.Arg1156Cys)

Gene: CACNA1H (calcium voltage-gated channel subunit alpha1 H; plus strand). Cytogenetic location: 16p13.3.
Variant type: single nucleotide variant.
Coding change: c.3466C>T on transcript NM_021098.3 (MANE Select); coding-DNA position 3466, C replaced by T.
Protein change: p.Arg1156Cys; replaces arginine 1156 with cysteine.
Molecular consequence: missense variant.
Genome position (GRCh38, 1-based): chr16:1,209,134, C>T. VCF-style: chr16-1209134-C-T. GRCh37 (hg19) VCF-style: chr16-1259134-C-T.
Other names: c.3466C>T, p.Arg1156Cys (NM_001005407.2); short protein forms R1156C.
Identifiers: ClinVar variation 2937289 (VCV002937289.4), dbSNP rs778656802, ClinGen allele CA7800770.